The following is an entry in ClinVar:

ClinVar aggregate classification (germline): Uncertain significance (1 of 4 stars; one submission).

Conditions:
CYP7A1-related disorder. Also called: CYP7A1-related condition.

Allele frequency attached by ClinVar (database versions not stated): gnomAD exomes below 0.00001.
gnomAD v4.1: 6 of 1,614,212 alleles (0.00037%); highest among the groups gnomAD compares: South Asian, 0.0033%; no homozygotes.

Submission:

PreventionGenetics, part of Exact Sciences
Classification: Uncertain significance for CYP7A1-related condition. Last evaluated: 2023-08-07. Review status: criteria provided, single submitter. Criteria: ACMG Guidelines, 2015. Collection method: clinical testing. Allele origin: germline.
Comment: The CYP7A1 c.642A>C variant is predicted to result in the amino acid substitution p.Lys214Asn. To our knowledge, this variant has not been reported in the literature or in a large population database, indicating this variant is rare. At this time, the clinical significance of this variant is uncertain due to the absence of conclusive functional and genetic evidence.

NM_000780.4(CYP7A1):c.642A>C (p.Lys214Asn)

Gene: CYP7A1 (cytochrome P450 family 7 subfamily A member 1; minus strand). Cytogenetic location: 8q12.1.
Variant type: single nucleotide variant.
Coding change: c.642A>C on transcript NM_000780.4 (MANE Select); coding-DNA position 642, A replaced by C.
Protein change: p.Lys214Asn; replaces lysine 214 with asparagine.
Molecular consequence: missense variant.
Genome position (GRCh38, 1-based): chr8:58,496,870, T>G on the plus strand (A>C on the coding strand, the complement: CYP7A1 is on the minus strand). VCF-style: chr8-58496870-T-G. GRCh37 (hg19) VCF-style: chr8-59409429-T-G.
Other names: short protein forms K214N.
Identifiers: ClinVar variation 2629513 (VCV002629513.1), dbSNP rs2487038866, ClinGen allele CA371293713.